The following is an entry in ClinVar:

ClinVar aggregate classification (germline): Benign/Likely benign. Review status: criteria provided, multiple submitters, no conflicts (2 of 4 stars). 2 submissions from 2 submitters: Benign (1); Likely benign (1). Last evaluated 2026-07-01.

Conditions:
Sessile serrated polyposis cancer syndrome (SSPCS). Identifiers: Orphanet 157798, MedGen C4310714, MONDO:0014919, OMIM 617108.

gnomAD v4.1: 2 of 1,607,662 alleles (0.00012%); highest among the groups gnomAD compares: South Asian, 0.0011%; no homozygotes.

Submissions (2):

Myriad Genetics, Inc.
Classification: Benign for Sessile serrated polyposis cancer syndrome. Last evaluated: 2026-07-01. Review status: criteria provided, single submitter. Criteria: Myriad Autosomal Dominant, Autosomal Recessive and X-Linked Classification Criteria (2023). Collection method: clinical testing. Allele origin: unknown.
Comment: This variant is considered benign. This variant is a silent/synonymous amino acid change and it is not expected to impact splicing.

Ambry Genetics
Classification: Likely benign. Last evaluated: 2025-05-09. Review status: criteria provided, single submitter. Criteria: Ambry Variant Classification Scheme 2023. Collection method: clinical testing. Allele origin: germline.

NM_017763.6(RNF43):c.1215G>T (p.Leu405=)

Gene: RNF43 (ring finger protein 43; minus strand). Cytogenetic location: 17q22.
Variant type: single nucleotide variant.
Coding change: c.1215G>T on transcript NM_017763.6 (MANE Select); coding-DNA position 1215, G replaced by T.
Protein change: p.Leu405=; no amino-acid change (leucine 405 retained).
Molecular consequence: synonymous variant.
Genome position (GRCh38, 1-based): chr17:58,358,561, C>A on the plus strand (G>T on the coding strand, the complement: RNF43 is on the minus strand). VCF-style: chr17-58358561-C-A. GRCh37 (hg19) VCF-style: chr17-56435922-C-A.
Other names: c.1215G>T, p.Leu405= (NM_001305544.3); c.834G>T, p.Leu278= (NM_001305545.2).
Identifiers: ClinVar variation 3946883 (VCV003946883.2).
Genomic context (GRCh38, chr17:58,358,561, plus strand): 5'-TGAGGTGGATTGGAGGTGGCTCAGTCCCCAGCCTTGTGCATAGGGGTGCTGGGCTCCTGC[C>A]AGGCGCTGCTGCTCTCCTGGAGCCCGGGGATGTGCAGCTCTGGGGAAGCGGTGATGCCGA-3'
Protein context (NP_060233.3, residues 395-415): HPRAPGEQQR[Leu405=]AGAQHPYAQG